The following is an entry in ClinVar:

ClinVar aggregate classification (germline): Pathogenic (1 of 4 stars; one submission).

Submission:

Labcorp Genetics (formerly Invitae), Labcorp
Classification: Pathogenic. Last evaluated: 2023-06-25. Review status: criteria provided, single submitter. Criteria: Invitae Variant Classification Sherloc (09022015). Collection method: clinical testing. Allele origin: germline.
Comment: For these reasons, this variant has been classified as Pathogenic. Algorithms developed to predict the effect of sequence changes on RNA splicing suggest that this variant may create or strengthen a splice site. This variant has not been reported in the literature in individuals affected with PYCR1-related conditions. This variant is not present in population databases (gnomAD no frequency). This sequence change creates a premature translational stop signal (p.Glu163Glnfs*17) in the PYCR1 gene. It is expected to result in an absent or disrupted protein product. Loss-of-function variants in PYCR1 are known to be pathogenic (PMID: 19648921).

Literature cited by the submitters: PubMed 19648921.

NM_006907.4(PYCR1):c.486_517del (p.Glu163fs)

Gene: PYCR1 (pyrroline-5-carboxylate reductase 1; minus strand). Cytogenetic location: 17q25.3.
Variant type: Deletion.
Coding change: c.486_517del on transcript NM_006907.4 (MANE Select); coding-DNA positions 486 to 517, 32 bases deleted.
Protein change: p.Glu163fs; shifts the reading frame from glutamic acid 163.
Molecular consequence: frameshift variant.
Genome position (GRCh38, 1-based): chr17:81,934,949-81,934,980, 32 bases deleted. GRCh37 (hg19): chr17:79,892,825-79,892,856.
Other names: c.486_517del, p.Glu163fs (NM_001282279.2, NM_001282280.2, NM_001330523.2 and 1 more transcripts); c.567_598del, p.Glu190fs (NM_001282281.2); short protein forms E163fs, E190fs.
Identifiers: ClinVar variation 2840833 (VCV002840833.3), dbSNP rs2510118137, ClinGen allele CA2739268504.